The following is an entry in ClinVar:

NM_177400.3(NKX6-2):c.608G>C (p.Trp203Ser)

Gene: NKX6-2 (NK6 homeobox 2; minus strand). Cytogenetic location: 10q26.3.
Variant type: single nucleotide variant.
Coding change: c.608G>C on transcript NM_177400.3 (MANE Select); coding-DNA position 608, G replaced by C.
Protein change: p.Trp203Ser; replaces tryptophan 203 with serine.
Molecular consequence: missense variant.
Genome position (GRCh38, 1-based): chr10:132,785,142, C>G on the plus strand (G>C on the coding strand, the complement: NKX6-2 is on the minus strand). VCF-style: chr10-132785142-C-G. GRCh37 (hg19) VCF-style: chr10-134598646-C-G.
Other names: short protein forms W203S.
Identifiers: ClinVar variation 1993764 (VCV001993764.4), dbSNP rs1565019928, ClinGen allele CA378769251.
Genomic context (GRCh38, chr10:132,785,142, plus strand): 5'-TCGGCGTCCGAGTCCTGCTTCTTCTTGGCCGACGCCATCTCCACCGCGTGCCGCTTGCGC[C>G]ACTTGGTCCGGCGGTTCTGGAACCAGACCTGGGAGTGGACGGGGCGGTCAGGCGGCCGCG-3'
Protein context (NP_796374.2, residues 193-213): KVWFQNRRTK[Trp203Ser]RKRHAVEMAS

ClinVar aggregate classification (germline): Uncertain significance (1 of 4 stars; one submission).

Submission:

Labcorp Genetics (formerly Invitae), Labcorp
Classification: Uncertain significance. Last evaluated: 2023-08-10. Review status: criteria provided, single submitter. Criteria: Invitae Variant Classification Sherloc (09022015). Collection method: clinical testing. Allele origin: germline.
Comment: This variant is not present in population databases (gnomAD no frequency). This variant has not been reported in the literature in individuals affected with NKX6-2-related conditions. ClinVar contains an entry for this variant (Variation ID: 1993764). Advanced modeling of protein sequence and biophysical properties (such as structural, functional, and spatial information, amino acid conservation, physicochemical variation, residue mobility, and thermodynamic stability) performed at Invitae indicates that this missense variant is expected to disrupt NKX6-2 protein function. In summary, the available evidence is currently insufficient to determine the role of this variant in disease. Therefore, it has been classified as a Variant of Uncertain Significance. This sequence change replaces tryptophan, which is neutral and slightly polar, with serine, which is neutral and polar, at codon 203 of the NKX6-2 protein (p.Trp203Ser).